The following is an entry in ClinVar:

ClinVar aggregate classification (germline): Uncertain significance. Review status: criteria provided, multiple submitters, no conflicts (2 of 4 stars). 3 submissions from 3 submitters: Uncertain significance (3). Last evaluated 2025-11-20.

Conditions:
Hereditary cancer-predisposing syndrome. Also called: Hereditary Cancer Syndrome; Neoplastic Syndromes, Hereditary; Tumor predisposition; Hereditary neoplastic syndrome. Identifiers: Orphanet 140162, MedGen C0027672, MeSH D009386, MONDO:0015356.
Rhabdoid tumor predisposition syndrome 2 (RTPS2). Identifiers: Orphanet 231108, Orphanet 69077, MedGen C2750074, MONDO:0013224, OMIM 613325.

Allele frequency attached by ClinVar (database versions not stated): TOPMed below 0.00001.

Submissions (3):

Ambry Genetics
Classification: Uncertain significance for Hereditary cancer-predisposing syndrome. Last evaluated: 2025-11-20. Review status: criteria provided, single submitter. Criteria: Ambry Variant Classification Scheme 2023. Collection method: clinical testing. Allele origin: germline.
Comment: The p.G719A variant (also known as c.2156G>C), located in coding exon 14 of the SMARCA4 gene, results from a G to C substitution at nucleotide position 2156. The glycine at codon 719 is replaced by alanine, an amino acid with similar properties. This amino acid position is not well conserved in available vertebrate species. In addition, the in silico prediction for this alteration is inconclusive. Based on the available evidence, the clinical significance of this variant remains unclear.

Labcorp Genetics (formerly Invitae), Labcorp
Classification: Uncertain significance for Rhabdoid tumor predisposition syndrome 2. Last evaluated: 2023-06-09. Review status: criteria provided, single submitter. Criteria: Invitae Variant Classification Sherloc (09022015). Collection method: clinical testing. Allele origin: germline.
Comment: In summary, the available evidence is currently insufficient to determine the role of this variant in disease. Therefore, it has been classified as a Variant of Uncertain Significance. Advanced modeling of protein sequence and biophysical properties (such as structural, functional, and spatial information, amino acid conservation, physicochemical variation, residue mobility, and thermodynamic stability) performed at Invitae indicates that this missense variant is not expected to disrupt SMARCA4 protein function. ClinVar contains an entry for this variant (Variation ID: 1977018). This variant has not been reported in the literature in individuals affected with SMARCA4-related conditions. This variant is not present in population databases (gnomAD no frequency). This sequence change replaces glycine, which is neutral and non-polar, with alanine, which is neutral and non-polar, at codon 719 of the SMARCA4 protein (p.Gly719Ala).

GeneDx
Classification: Uncertain significance. Last evaluated: 2023-04-27. Review status: criteria provided, single submitter. Criteria: GeneDx Variant Classification Process June 2021. Collection method: clinical testing. Allele origin: germline. Affected: yes.
Comment: Not observed at significant frequency in large population cohorts (gnomAD); In silico analysis supports that this missense variant does not alter protein structure/function; Has not been previously published as pathogenic or benign to our knowledge

NM_003072.5(SMARCA4):c.2156G>C (p.Gly719Ala)

Gene: SMARCA4 (SWI/SNF related BAF chromatin remodeling complex subunit ATPase 4; plus strand). Cytogenetic location: 19p13.2.
Variant type: single nucleotide variant.
Coding change: c.2156G>C on transcript NM_003072.5 (MANE Select); coding-DNA position 2156, G replaced by C.
Protein change: p.Gly719Ala; replaces glycine 719 with alanine.
Molecular consequence: missense variant. On other transcripts: non-coding transcript variant (1).
Genome position (GRCh38, 1-based): chr19:11,010,413, G>C. VCF-style: chr19-11010413-G-C. GRCh37 (hg19) VCF-style: chr19-11121089-G-C.
Other names: c.2156G>C (NM_001128849.1); c.2156G>C, p.Gly719Ala (NM_001128844.3, NM_001128845.2, NM_001128846.2 and 6 more transcripts); short protein forms G719A.
Identifiers: ClinVar variation 1977018 (VCV001977018.7), dbSNP rs2088712889, ClinGen allele CA404052726.